The following is an entry in ClinVar:

ClinVar aggregate classification (germline): Conflicting classifications of pathogenicity. Review status: criteria provided, conflicting classifications (1 of 4 stars). 2 submissions from 2 submitters: Uncertain significance (1); Likely benign (1). Last evaluated 2023-03-23.

Conditions:
Hereditary cancer-predisposing syndrome. Also called: Neoplastic Syndromes, Hereditary; Tumor predisposition; Hereditary Cancer Syndrome; Hereditary neoplastic syndrome. Identifiers: Orphanet 140162, MedGen C0027672, MeSH D009386, MONDO:0015356.

Submissions (2):

University of Washington Department of Laboratory Medicine, University of Washington
Classification: Likely benign for Hereditary cancer-predisposing syndrome. Last evaluated: 2023-03-23. Review status: criteria provided, single submitter. Criteria: Dines et al. (Genet Med. 2020). Collection method: curation. Allele origin: germline.
Comment: Missense variant in a coldspot region where missense variants are very unlikely to be pathogenic (PMID:31911673).

BRCA1 coldspot (exon 11 using historical exon numbering). Reclassification based on statistical prior probability

Ambry Genetics
Classification: Uncertain significance for Hereditary cancer-predisposing syndrome. Last evaluated: 2022-10-28. Review status: criteria provided, single submitter. Criteria: Ambry Variant Classification Scheme 2023. Collection method: clinical testing. Allele origin: germline.
Comment: The p.E1282Q variant (also known as c.3844G>C), located in coding exon 9 of the BRCA1 gene, results from a G to C substitution at nucleotide position 3844. The glutamic acid at codon 1282 is replaced by glutamine, an amino acid with highly similar properties. This amino acid position is conserved. In addition, the in silico prediction for this alteration is inconclusive. Since supporting evidence is limited at this time, the clinical significance of this alteration remains unclear.

NM_007294.4(BRCA1):c.3844G>C (p.Glu1282Gln)

Genes: BRCA1 (BRCA1 DNA repair associated; minus strand), LOC126862571 (BRD4-independent group 4 enhancer GRCh37_chr17:41243136-41244335; plus strand). Cytogenetic location: 17q21.31.
Variant type: single nucleotide variant.
Coding change: c.3844G>C on transcript NM_007294.4 (MANE Select); coding-DNA position 3844, G replaced by C.
Protein change: p.Glu1282Gln; replaces glutamic acid 1282 with glutamine.
Molecular consequence: missense variant. On other transcripts: intron variant (135).
Genome position (GRCh38, 1-based): chr17:43,091,687, C>G on the plus strand (G>C on the coding strand, the complement: BRCA1 is on the minus strand). VCF-style: chr17-43091687-C-G. GRCh37 (hg19) VCF-style: chr17-41243704-C-G.
Other names: c.3631G>C, p.Glu1211Gln (NM_001407571.1, NM_001407853.1, NM_001407894.1 and 9 more transcripts); c.3844G>C, p.Glu1282Gln (NM_001407581.1, NM_001407582.1, NM_001407583.1 and 30 more transcripts); c.3841G>C, p.Glu1281Gln (NM_001407587.1, NM_001407590.1, NM_001407591.1 and 22 more transcripts); c.3835G>C, p.Glu1279Gln (NM_001407646.1, NM_001407647.1); c.3721G>C, p.Glu1241Gln (NM_001407648.1, NM_001407664.1, NM_001407665.1 and 19 more transcripts); c.3718G>C, p.Glu1240Gln (NM_001407649.1, NM_001407670.1, NM_001407671.1 and 11 more transcripts); c.3766G>C, p.Glu1256Gln (NM_001407653.1, NM_001407654.1, NM_001407655.1 and 4 more transcripts); c.3763G>C, p.Glu1255Gln (NM_001407659.1, NM_001407660.1, NM_001407661.1 and 1 more transcripts); and 41 more; short protein forms E1170Q, E1171Q, E1193Q, E1215Q, E1234Q, E1241Q, E414Q, E1154Q.
Identifiers: ClinVar variation 1735456 (VCV001735456.4), dbSNP rs2154281717, ClinGen allele CA10594278.